The following is an entry in ClinVar:

NM_017696.3(MCM9):c.1996C>T (p.Arg666Trp)

Gene: MCM9 (minichromosome maintenance 9 homologous recombination repair factor; minus strand). Cytogenetic location: 6q22.31.
Variant type: single nucleotide variant.
Coding change: c.1996C>T on transcript NM_017696.3 (MANE Select); coding-DNA position 1996, C replaced by T.
Protein change: p.Arg666Trp; replaces arginine 666 with tryptophan.
Molecular consequence: missense variant. On other transcripts: non-coding transcript variant (1).
Genome position (GRCh38, 1-based): chr6:118,816,260, G>A on the plus strand (C>T on the coding strand, the complement: MCM9 is on the minus strand). VCF-style: chr6-118816260-G-A. GRCh37 (hg19) VCF-style: chr6-119137423-G-A.
Other names: c.1652C>T, p.Thr551Met (NM_001378367.1); c.1996C>T, p.Arg666Trp (NM_001378356.1, NM_001378357.1); c.1850C>T, p.Thr617Met (NM_001378359.1, NM_001378360.1); c.1792C>T, p.Arg598Trp (NM_001378364.1); c.1724C>T, p.Thr575Met (NM_001378366.1); short protein forms R598W, R666W, T551M, T575M, T617M.
Identifiers: ClinVar variation 3239011 (VCV003239011.20), dbSNP rs75607191.

ClinVar aggregate classification (germline): Likely benign. Review status: criteria provided, multiple submitters, no conflicts (2 of 4 stars). 2 submissions from 2 submitters: Likely benign (2). Last evaluated 2026-05-01.

Allele frequency attached by ClinVar (database versions not stated): 1000 Genomes Project 0.00339; 1000 Genomes Project 30x 0.00375; ExAC 0.00488; TOPMed 0.00554; gnomAD 0.00573; gnomAD exomes 0.00807.
gnomAD v4.1: 12,098 of 1,548,404 alleles (0.78%); highest among the groups gnomAD compares: Non-Finnish European, 0.93%; 65 homozygotes.

Submissions (2):

CeGaT Center for Human Genetics Tuebingen
Classification: Likely benign. Last evaluated: 2026-05-01. Review status: criteria provided, single submitter. Criteria: CeGaT Center For Human Genetics Tuebingen Variant Classification Criteria Version 2. Collection method: clinical testing. Allele origin: germline. Affected: yes. Observed: 2 variant alleles.
Comment: MCM9: BP4, BS2

Blueprint Genetics
Classification: Likely benign. Last evaluated: 2024-11-26. Review status: criteria provided, single submitter. Criteria: ACMG Guidelines, 2015. Collection method: clinical testing. Allele origin: germline.